The following is an entry in ClinVar:

NM_000587.4(C7):c.728A>G (p.His243Arg)

Gene: C7 (complement C7; plus strand). Cytogenetic location: 5p13.1.
Variant type: single nucleotide variant.
Coding change: c.728A>G on transcript NM_000587.4 (MANE Select); coding-DNA position 728, A replaced by G.
Protein change: p.His243Arg; replaces histidine 243 with arginine.
Molecular consequence: missense variant.
Genome position (GRCh38, 1-based): chr5:40,945,358, A>G. VCF-style: chr5-40945358-A-G. GRCh37 (hg19) VCF-style: chr5-40945460-A-G.
Other names: short protein forms H243R.
Identifiers: ClinVar variation 2063894 (VCV002063894.3), dbSNP rs756111725, ClinGen allele CA3249736.

ClinVar aggregate classification (germline): Uncertain significance. Review status: criteria provided, multiple submitters, no conflicts (2 of 4 stars). 2 submissions from 2 submitters: Uncertain significance (2). Last evaluated 2025-11-12.

Conditions:
Inborn genetic diseases. Identifiers: MedGen C0950123, MeSH D030342.

Allele frequency attached by ClinVar (database versions not stated): gnomAD 0.00004; ExAC 0.00002; TOPMed 0.00007; gnomAD exomes 0.00001.
gnomAD v4.1: 17 of 1,588,620 alleles (0.0011%); highest among the groups gnomAD compares: Admixed American, 0.019%; no homozygotes.

Submissions (2):

Ambry Genetics
Classification: Uncertain significance for Inborn genetic diseases. Last evaluated: 2025-11-12. Review status: criteria provided, single submitter. Criteria: Ambry Variant Classification Scheme 2023. Collection method: clinical testing. Allele origin: germline.

Labcorp Genetics (formerly Invitae), Labcorp
Classification: Uncertain significance. Last evaluated: 2022-05-25. Review status: criteria provided, single submitter. Criteria: Invitae Variant Classification Sherloc (09022015). Collection method: clinical testing. Allele origin: germline.
Comment: This sequence change replaces histidine, which is basic and polar, with arginine, which is basic and polar, at codon 243 of the C7 protein (p.His243Arg). This variant is present in population databases (rs756111725, gnomAD 0.01%). This variant has not been reported in the literature in individuals affected with C7-related conditions. Algorithms developed to predict the effect of missense changes on protein structure and function (SIFT, PolyPhen-2, Align-GVGD) all suggest that this variant is likely to be tolerated. In summary, the available evidence is currently insufficient to determine the role of this variant in disease. Therefore, it has been classified as a Variant of Uncertain Significance.